The following is an entry in ClinVar:

ClinVar aggregate classification (germline): Pathogenic (1 of 4 stars; one submission).

Conditions:
Hereditary von Willebrand disease. Identifiers: Orphanet 903, MedGen C5703318, MONDO:0019565. Inheritance: Autosomal recessive or Autosomal dominant.

Submission:

ISTH-SSC Genomics in Thrombosis and Hemostasis, KU Leuven, Center for Molecular and Vascular Biology
Classification: Pathogenic for von Willebrand disorder. Review status: criteria provided, single submitter. Criteria: ACMG Guidelines, 2015. Collection method: research. Allele origin: unknown. Inheritance: Autosomal recessive inheritance. Affected: yes.
Comment: Gold Variant submitter: Dr Karyn Megy, NIHR Bioresource - Cambridge University, UK

Literature cited by the submitters: PubMed 34355501.

Single allele

Gene: VWF (von Willebrand factor; minus strand). Cytogenetic location: 12p13.31.
Variant type: Deletion.
Identifiers: ClinVar variation 1333002 (VCV001333002.2).